The following is an entry in ClinVar:

NM_006506.5(RASA2):c.38C>T (p.Ser13Phe)

Genes: RASA2 (RAS p21 protein activator 2; plus strand), LOC129937686 (ATAC-STARR-seq lymphoblastoid silent region 14777; plus strand). Cytogenetic location: 3q23.
Variant type: single nucleotide variant.
Coding change: c.38C>T on transcript NM_006506.5 (MANE Select); coding-DNA position 38, C replaced by T.
Protein change: p.Ser13Phe; replaces serine 13 with phenylalanine.
Molecular consequence: missense variant.
Genome position (GRCh38, 1-based): chr3:141,487,121, C>T. VCF-style: chr3-141487121-C-T. GRCh37 (hg19) VCF-style: chr3-141205963-C-T.
Other names: c.38C>T (NM_006506.2); c.38C>T, p.Ser13Phe (NM_001303245.3, NM_001303246.3); short protein forms S13F.
Identifiers: ClinVar variation 933185 (VCV000933185.10), dbSNP rs376313232, ClinGen allele CA2645076.

ClinVar aggregate classification (germline): Conflicting classifications of pathogenicity. Review status: criteria provided, conflicting classifications (1 of 4 stars). 4 submissions from 4 submitters: Uncertain significance (1); Benign (1); Likely benign (2). Last evaluated 2026-02-03.

Allele frequency attached by ClinVar (database versions not stated): gnomAD 0.00014 and 0.00016; TOPMed 0.00022; ESP Exome Variant Server 0.00027; gnomAD exomes 0.00029; ExAC 0.00157.
gnomAD v4.1: 323 of 1,428,244 alleles (0.023%); highest among the groups gnomAD compares: Non-Finnish European, 0.028%; no homozygotes.

Submissions (4):

Labcorp Genetics (formerly Invitae), Labcorp
Classification: Uncertain significance. Last evaluated: 2026-02-03. Review status: criteria provided, single submitter. Criteria: Invitae Variant Classification Sherloc (09022015). Collection method: clinical testing. Allele origin: germline.
Comment: This sequence change replaces serine, which is neutral and polar, with phenylalanine, which is neutral and non-polar, at codon 13 of the RASA2 protein (p.Ser13Phe). This variant is present in population databases (rs376313232, gnomAD 0.06%), and has an allele count higher than expected for a pathogenic variant. This variant has not been reported in the literature in individuals affected with RASA2-related conditions. ClinVar contains an entry for this variant (Variation ID: 933185). Experimental studies and prediction algorithms are not available or were not evaluated, and the functional significance of this variant is currently unknown. In summary, the available evidence is currently insufficient to determine the role of this variant in disease. Therefore, it has been classified as a Variant of Uncertain Significance.

Blueprint Genetics
Classification: Likely benign. Last evaluated: 2024-11-14. Review status: criteria provided, single submitter. Criteria: ACMG Guidelines, 2015. Collection method: clinical testing. Allele origin: germline.

Ambry Genetics
Classification: Likely benign. Last evaluated: 2024-07-30. Review status: criteria provided, single submitter. Criteria: Ambry Variant Classification Scheme 2023. Collection method: clinical testing. Allele origin: germline.

Women's Health and Genetics/Laboratory Corporation of America, LabCorp
Classification: Benign. Last evaluated: 2020-06-01. Review status: criteria provided, single submitter. Criteria: LabCorp Variant Classification Summary - May 2015. Collection method: clinical testing. Allele origin: germline.
Comment: Variant summary: RASA2 c.38C>T (p.Ser13Phe) results in a non-conservative amino acid change in the encoded protein sequence. Three of five in-silico tools predict a benign effect of the variant on protein function. The variant allele was found at a frequency of 0.00029 in 106566 control chromosomes, predominantly at a frequency of 0.00068 within the Non-Finnish European subpopulation in the gnomAD database. The observed variant frequency within Non-Finnish European control individuals in the gnomAD database is approximately 136 fold of the estimated maximal expected allele frequency for a pathogenic variant in RASA2 causing Noonan Syndrome And Related Conditions phenotype (5e-06), strongly suggesting that the variant is a benign polymorphism found primarily in populations of Non-Finnish European origin. To our knowledge, no occurrence of c.38C>T in individuals affected with Noonan Syndrome And Related Conditions and no experimental evidence demonstrating its impact on protein function have been reported. No clinical diagnostic laboratories have submitted clinical-significance assessments for this variant to ClinVar after 2014. Based on the evidence outlined above, the variant was classified as benign.